The following is an entry in ClinVar:

NM_024422.6(DSC2):c.70A>T (p.Ile24Phe)

Gene: DSC2 (desmocollin 2; minus strand). Cytogenetic location: 18q12.1.
Variant type: single nucleotide variant.
Coding change: c.70A>T on transcript NM_024422.6 (MANE Select); coding-DNA position 70, A replaced by T.
Protein change: p.Ile24Phe; replaces isoleucine 24 with phenylalanine.
Molecular consequence: missense variant.
Genome position (GRCh38, 1-based): chr18:31,093,643, T>A on the plus strand (A>T on the coding strand, the complement: DSC2 is on the minus strand). VCF-style: chr18-31093643-T-A. GRCh37 (hg19) VCF-style: chr18-28673606-T-A.
Other names: c.-360A>T (NM_001406506.1, NM_001406507.1); c.70A>T, p.Ile24Phe (NM_004949.5); short protein forms I24F.
Identifiers: ClinVar variation 1964549 (VCV001964549.5), dbSNP rs1228372400, ClinGen allele CA402115189.

ClinVar aggregate classification (germline): Uncertain significance (1 of 4 stars; one submission).

Conditions:
Arrhythmogenic right ventricular dysplasia 11. Also called: Arrhythmogenic Right Ventricular Dysplasia/Cardiomyopathy11; ARRHYTHMOGENIC RIGHT VENTRICULAR DYSPLASIA, FAMILIAL, 11; Arrhythmogenic right ventricular dysplasia 11 with mild palmoplantar keratoderma and woolly hair. Identifiers: MedGen C1864850, MONDO:0012506, OMIM 610476.

Submission:

Labcorp Genetics (formerly Invitae), Labcorp
Classification: Uncertain significance for Arrhythmogenic right ventricular dysplasia 11. Last evaluated: 2022-06-30. Review status: criteria provided, single submitter. Criteria: Invitae Variant Classification Sherloc (09022015). Collection method: clinical testing. Allele origin: germline.
Comment: In summary, the available evidence is currently insufficient to determine the role of this variant in disease. Therefore, it has been classified as a Variant of Uncertain Significance. Algorithms developed to predict the effect of missense changes on protein structure and function (SIFT, PolyPhen-2, Align-GVGD) all suggest that this variant is likely to be tolerated. This variant has not been reported in the literature in individuals affected with DSC2-related conditions. This variant is not present in population databases (gnomAD no frequency). This sequence change replaces isoleucine, which is neutral and non-polar, with phenylalanine, which is neutral and non-polar, at codon 24 of the DSC2 protein (p.Ile24Phe).